The following is an entry in ClinVar:

ClinVar aggregate classification (germline): Uncertain significance (1 of 4 stars; one submission).

Conditions:
Gastrointestinal stromal tumor. Also called: Gastrointestinal stroma tumor; Gastrointestinal stromal tumor, somatic. Identifiers: Orphanet 44890, MedGen C0238198, MeSH D046152, MONDO:0011719, OMIM 606764, HP:0100723.
Pheochromocytoma/paraganglioma syndrome 4. Also called: CAROTID BODY TUMORS AND MULTIPLE EXTRAADRENAL PHEOCHROMOCYTOMAS; SDHB-Related Hereditary Paraganglioma-Pheochromocytoma Syndrome; PARAGANGLIOMA, FAMILIAL MALIGNANT; PARAGANGLIOMAS, HEREDITARY EXTRAADRENAL; PHEOCHROMOCYTOMA, FAMILIAL EXTRAADRENAL; Paragangliomas 4. Identifiers: Orphanet 29072, MedGen C1861848, MONDO:0007273, OMIM 115310.
Pheochromocytoma. Also called: MAX-Related Hereditary Paraganglioma-Pheochromocytoma Syndrome. Identifiers: Orphanet 29072, MedGen C0031511, MONDO:0008233, OMIM 171300, HP:0002666.

Submission:

Labcorp Genetics (formerly Invitae), Labcorp
Classification: Uncertain significance for Gastrointestinal stromal tumor; Pheochromocytoma/paraganglioma syndrome 4; Pheochromocytoma. Last evaluated: 2021-08-12. Review status: criteria provided, single submitter. Criteria: Invitae Variant Classification Sherloc (09022015). Collection method: clinical testing. Allele origin: germline.
Comment: This variant has not been reported in the literature in individuals affected with SDHB-related conditions. In summary, the available evidence is currently insufficient to determine the role of this variant in disease. Therefore, it has been classified as a Variant of Uncertain Significance. Advanced modeling of protein sequence and biophysical properties (such as structural, functional, and spatial information, amino acid conservation, physicochemical variation, residue mobility, and thermodynamic stability) performed at Invitae indicates that this missense variant is expected to disrupt SDHB protein function. This variant is not present in population databases (ExAC no frequency). This sequence change replaces arginine with serine at codon 94 of the SDHB protein (p.Arg94Ser). The arginine residue is highly conserved and there is a moderate physicochemical difference between arginine and serine.

NM_003000.3(SDHB):c.282A>C (p.Arg94Ser)

Gene: SDHB (succinate dehydrogenase complex iron sulfur subunit B; minus strand). Cytogenetic location: 1p36.13.
Variant type: single nucleotide variant.
Coding change: c.282A>C on transcript NM_003000.3 (MANE Select); coding-DNA position 282, A replaced by C.
Protein change: p.Arg94Ser; replaces arginine 94 with serine.
Molecular consequence: missense variant.
Genome position (GRCh38, 1-based): chr1:17,033,064, T>G on the plus strand (A>C on the coding strand, the complement: SDHB is on the minus strand). VCF-style: chr1-17033064-T-G. GRCh37 (hg19) VCF-style: chr1-17359559-T-G.
Other names: short protein forms R94S.
Identifiers: ClinVar variation 1483038 (VCV001483038.6), dbSNP rs2101528849, ClinGen allele CA338276397.